The following is an entry in ClinVar:

NM_021625.5(TRPV4):c.1260C>A (p.Asp420Glu)

Gene: TRPV4 (transient receptor potential cation channel subfamily V member 4; minus strand). Cytogenetic location: 12q24.11.
Variant type: single nucleotide variant.
Coding change: c.1260C>A on transcript NM_021625.5 (MANE Select); coding-DNA position 1260, C replaced by A.
Protein change: p.Asp420Glu; replaces aspartic acid 420 with glutamic acid.
Molecular consequence: missense variant. On other transcripts: intron variant (2).
Genome position (GRCh38, 1-based): chr12:109,796,597, G>T on the plus strand (C>A on the coding strand, the complement: TRPV4 is on the minus strand). VCF-style: chr12-109796597-G-T. GRCh37 (hg19) VCF-style: chr12-110234402-G-T.
Other names: c.1119C>A, p.Asp373Glu (NM_001177428.2); c.1158C>A, p.Asp386Glu (NM_001177431.2); c.1011+2017C>A (NM_001177433.1); c.1152+2017C>A (NM_147204.2); short protein forms D373E, D386E, D420E.
Identifiers: ClinVar variation 4534976 (VCV004534976.6).

ClinVar aggregate classification (germline): Uncertain significance (1 of 4 stars; one submission).

Submission:

CeGaT Center for Human Genetics Tuebingen
Classification: Uncertain significance. Last evaluated: 2025-10-01. Review status: criteria provided, single submitter. Criteria: CeGaT Center For Human Genetics Tuebingen Variant Classification Criteria Version 2. Collection method: clinical testing. Allele origin: germline. Affected: yes. Observed: 1 variant allele.
Comment: TRPV4: PM2, PP2, PP3